The following is an entry in ClinVar:

NM_001039141.3(TRIOBP):c.3302_3304del (p.Pro1101del)

Gene: TRIOBP (TRIO and F-actin binding protein; plus strand). Cytogenetic location: 22q13.1.
Variant type: Deletion.
Coding change: c.3302_3304del on transcript NM_001039141.3 (MANE Select); coding-DNA positions 3302 to 3304, 3 bases deleted (CCC; older notation c.3302_3304delCCC).
Protein change: p.Pro1101del; deletes proline 1101.
Genome position (GRCh38, 1-based): chr22:37,725,858-37,725,860, CCC deleted; deleting any 3 consecutive bases within chr22:37,725,855-37,725,860 gives the same sequence; the c. name uses the placement nearest the transcript's 3' end. VCF-style (leftmost placement, unchanged base first): chr22-37725854-TCCC-T. GRCh37 (hg19) VCF-style: chr22-38121861-TCCC-T.
Other names: short protein forms P1101del.
Identifiers: ClinVar variation 3777486 (VCV003777486.1).

ClinVar aggregate classification (germline): Uncertain significance (1 of 4 stars; one submission).

Submission:

GeneDx
Classification: Uncertain significance. Last evaluated: 2024-10-08. Review status: criteria provided, single submitter. Criteria: GeneDx Variant Classification Process June 2021. Collection method: clinical testing. Allele origin: germline. Affected: yes.
Comment: In-frame deletion of 1 amino acid in a non-repeat region; Not observed at significant frequency in large population cohorts (gnomAD); In silico analysis indicates that this variant does not alter protein structure/function; Has not been previously published as pathogenic or benign to our knowledge